The following is an entry in ClinVar:

NM_020708.5(SLC12A5):c.2029C>A (p.Leu677Met)

Gene: SLC12A5 (solute carrier family 12 member 5; plus strand). Cytogenetic location: 20q13.12.
Variant type: single nucleotide variant.
Coding change: c.2029C>A on transcript NM_020708.5 (MANE Select); coding-DNA position 2029, C replaced by A.
Protein change: p.Leu677Met; replaces leucine 677 with methionine.
Molecular consequence: missense variant.
Genome position (GRCh38, 1-based): chr20:46,049,638, C>A. VCF-style: chr20-46049638-C-A. GRCh37 (hg19) VCF-style: chr20-44678277-C-A.
Other names: c.2098C>A (NM_001134771.1); c.2098C>A, p.Leu700Met (NM_001134771.2); short protein forms L677M, L700M.
Identifiers: ClinVar variation 1033948 (VCV001033948.2), dbSNP rs756040501, ClinGen allele CA409201864.

ClinVar aggregate classification (germline): Uncertain significance. Review status: criteria provided, multiple submitters, no conflicts (2 of 4 stars). 2 submissions from 2 submitters: Uncertain significance (2). Last evaluated 2025-08-09.

Conditions:
Developmental and epileptic encephalopathy, 34 (DEE34). Also called: SLC12A5-Related Epilepsy of Infancy with Migrating Focal Seizures; Early infantile epileptic encephalopathy 34. Identifiers: Orphanet 293181, MedGen C4225257, MONDO:0014718, OMIM 616645.

Allele frequency attached by ClinVar (database versions not stated): TOPMed 0.00001.

Submissions (2):

Ambry Genetics
Classification: Uncertain significance. Last evaluated: 2025-08-09. Review status: criteria provided, single submitter. Criteria: Ambry Variant Classification Scheme 2023. Collection method: clinical testing. Allele origin: germline.

Baylor Genetics
Classification: Uncertain significance for Developmental and epileptic encephalopathy, 34. Last evaluated: 2018-07-19. Review status: criteria provided, single submitter. Criteria: ACMG Guidelines, 2015. Collection method: clinical testing. Allele origin: paternal. Affected: yes.
Comment: This variant was determined to be of uncertain significance according to ACMG Guidelines, 2015 [PMID:25741868].